The following is an entry in ClinVar:

NM_015166.4(MLC1):c.345dup (p.Val116fs)

Gene: MLC1 (modulator of VRAC current 1; minus strand). Cytogenetic location: 22q13.33.
Variant type: Duplication.
Coding change: c.345dup on transcript NM_015166.4 (MANE Select); coding-DNA position 345, one base duplicated (T; older notation c.345dupT).
Protein change: p.Val116fs; shifts the reading frame from valine 116.
Molecular consequence: frameshift variant. On other transcripts: non-coding transcript variant (3), intron variant (3).
Genome position (GRCh38, 1-based): chr22:50,079,996, A duplicated on the plus strand (T on the coding strand, the reverse complement: MLC1 is on the minus strand); the first of 3 consecutive A bases (chr22:50,079,996-50,079,998); duplicating any one gives the same sequence. VCF-style (leftmost placement, unchanged base first): chr22-50079995-C-CA. GRCh37 (hg19) VCF-style: chr22-50518424-C-CA.
Other names: c.345dup, p.Val116fs (NM_001376476.1, NM_001376477.1, NM_001376478.1 and 6 more transcripts); c.255dup, p.Val86fs (NM_001376480.1); c.108dup, p.Val37fs (NM_001376484.1); c.268-2494dup (NM_001376482.1, NM_001376483.1); c.321+348dup (NM_001376481.1); short protein forms V37fs, V86fs, V116fs.
Identifiers: ClinVar variation 2711026 (VCV002711026.3), dbSNP rs765490369, ClinGen allele CA2410655855.

ClinVar aggregate classification (germline): Pathogenic (1 of 4 stars; one submission).

Submission:

Labcorp Genetics (formerly Invitae), Labcorp
Classification: Pathogenic. Last evaluated: 2024-01-24. Review status: criteria provided, single submitter. Criteria: Invitae Variant Classification Sherloc (09022015). Collection method: clinical testing. Allele origin: germline.
Comment: This sequence change creates a premature translational stop signal (p.Val116Cysfs*65) in the MLC1 gene. It is expected to result in an absent or disrupted protein product. Loss-of-function variants in MLC1 are known to be pathogenic (PMID: 11254442, 16470554, 24824219). This variant is not present in population databases (gnomAD no frequency). This variant has not been reported in the literature in individuals affected with MLC1-related conditions. Algorithms developed to predict the effect of sequence changes on RNA splicing suggest that this variant may disrupt the consensus splice site. For these reasons, this variant has been classified as Pathogenic.

Literature cited by the submitters: PubMed 11254442; PubMed 16470554; PubMed 24824219.